The following is an entry in ClinVar:

ClinVar aggregate classification (germline): Uncertain significance (1 of 4 stars; one submission).

Conditions:
Amyotrophic lateral sclerosis type 21. Also called: VOCAL CORD AND PHARYNGEAL DYSFUNCTION WITH DISTAL MYOPATHY; MYOPATHY, DISTAL, 2. Identifiers: Orphanet 600, Orphanet 803, MedGen C3807521, MONDO:0011632, OMIM 606070.

Submission:

Labcorp Genetics (formerly Invitae), Labcorp
Classification: Uncertain significance for Amyotrophic lateral sclerosis type 21. Last evaluated: 2024-04-25. Review status: criteria provided, single submitter. Criteria: Invitae Variant Classification Sherloc (09022015). Collection method: clinical testing. Allele origin: germline.
Comment: This variant, c.493_495del, results in the deletion of 1 amino acid(s) of the MATR3 protein (p.Ala165del), but otherwise preserves the integrity of the reading frame. This variant is present in population databases (rs760040641, gnomAD 0.01%). This variant has not been reported in the literature in individuals affected with MATR3-related conditions. ClinVar contains an entry for this variant (Variation ID: 838160). Experimental studies and prediction algorithms are not available or were not evaluated, and the functional significance of this variant is currently unknown. In summary, the available evidence is currently insufficient to determine the role of this variant in disease. Therefore, it has been classified as a Variant of Uncertain Significance.

NM_018834.6(MATR3):c.493_495del (p.Ala165del)

Gene: MATR3 (matrin 3; plus strand). Cytogenetic location: 5q31.2.
Variant type: Deletion.
Coding change: c.493_495del on transcript NM_018834.6 (MANE Select); coding-DNA positions 493 to 495, 3 bases deleted (GCT; older notation c.493_495delGCT).
Protein change: p.Ala165del; deletes alanine 165.
Molecular consequence: inframe deletion. On other transcripts: intron variant (2).
Genome position (GRCh38, 1-based): chr5:139,307,908-139,307,910, GCT deleted; deleting any 3 consecutive bases within chr5:139,307,906-139,307,910 gives the same sequence; the c. name uses the placement nearest the transcript's 3' end. VCF-style (leftmost placement, unchanged base first): chr5-139307905-TCTG-T. GRCh37 (hg19) VCF-style: chr5-138643594-TCTG-T.
Other names: c.493_495del, p.Ala165del (NM_001194954.2, NM_001194955.2, NM_199189.3); c.-102-6767_-102-6765del (NM_001282278.2); c.49-6767_49-6765del (NM_001194956.2); short protein forms A165del.
Identifiers: ClinVar variation 838160 (VCV000838160.10), dbSNP rs760040641, ClinGen allele CA3432907.